The following is an entry in ClinVar:

ClinVar aggregate classification (germline): Conflicting classifications of pathogenicity. Review status: criteria provided, conflicting classifications (1 of 4 stars). 2 submissions from 2 submitters: Uncertain significance (1); Likely benign (1). Last evaluated 2024-11-25.

Allele frequency attached by ClinVar (database versions not stated): TOPMed 0.00004; gnomAD 0.00015; ExAC 0.00018; ESP Exome Variant Server 0.00031; gnomAD exomes 0.00036.
gnomAD v4.1: 530 of 1,613,062 alleles (0.033%); highest among the groups gnomAD compares: Non-Finnish European, 0.035%; no homozygotes.

Submissions (2):

Ambry Genetics
Classification: Uncertain significance. Last evaluated: 2024-11-25. Review status: criteria provided, single submitter. Criteria: Ambry Variant Classification Scheme 2023. Collection method: clinical testing. Allele origin: germline.

CeGaT Center for Human Genetics Tuebingen
Classification: Likely benign. Last evaluated: 2023-05-01. Review status: criteria provided, single submitter. Criteria: CeGaT Center For Human Genetics Tuebingen Variant Classification Criteria Version 2. Collection method: clinical testing. Allele origin: germline. Affected: yes. Observed: 1 variant allele.
Comment: ZNF618: BP4

NM_001318042.2(ZNF618):c.257C>T (p.Ala86Val)

Gene: ZNF618 (zinc finger protein 618; plus strand). Cytogenetic location: 9q32.
Variant type: single nucleotide variant.
Coding change: c.257C>T on transcript NM_001318042.2 (MANE Select); coding-DNA position 257, C replaced by T.
Protein change: p.Ala86Val; replaces alanine 86 with valine.
Molecular consequence: missense variant.
Genome position (GRCh38, 1-based): chr9:113,988,500, C>T. VCF-style: chr9-113988500-C-T. GRCh37 (hg19) VCF-style: chr9-116750780-C-T.
Other names: c.257C>T (NM_133374.2); c.257C>T, p.Ala86Val (NM_001318041.2, NM_133374.3, NM_001318040.2); short protein forms A86V.
Identifiers: ClinVar variation 2659436 (VCV002659436.25), dbSNP rs200878518, ClinGen allele CA5199019.